The following is an entry in ClinVar:

NM_004415.4(DSP):c.2297G>C (p.Ser766Thr)

Gene: DSP (desmoplakin; plus strand). Cytogenetic location: 6p24.3.
Variant type: single nucleotide variant.
Coding change: c.2297G>C on transcript NM_004415.4 (MANE Select); coding-DNA position 2297, G replaced by C.
Protein change: p.Ser766Thr; replaces serine 766 with threonine.
Molecular consequence: missense variant.
Genome position (GRCh38, 1-based): chr6:7,574,252, G>C. VCF-style: chr6-7574252-G-C. GRCh37 (hg19) VCF-style: chr6-7574485-G-C.
Other names: p.S766T:AGC>ACC; c.2297G>C (LRG_423t1); c.2297G>C, p.Ser766Thr (NM_001008844.3, NM_001319034.2); short protein forms S766T.
Identifiers: ClinVar variation 199867 (VCV000199867.2), dbSNP rs794728117, ClinGen allele CA005324.

ClinVar aggregate classification (germline): Uncertain significance (1 of 4 stars; one submission).

Submission:

GeneDx
Classification: Uncertain significance. Last evaluated: 2012-07-12. Review status: criteria provided, single submitter. Criteria: GeneDx Variant Classification (06012015). Collection method: clinical testing. Allele origin: germline. Affected: yes.
Comment: p.Ser766Thr (AGC>ACC): c.2297 G>C in exon 16 of the DSP gene (NM_004415.2). The Ser766Thr variant in the DSP gene has not been reported as a disease-causing mutation or as a benign polymorphism to our knowledge. Although Ser766Thr results in a conservative amino acid substitution of one neutral, polar amino acid with another, the Ser766 position is conserved in mammals and chicken. In silico analysis predicts Ser766Thr is probably damaging to the protein structure/function. Also, the NHLBI ESP Exome Variant Server reports Ser766Thr was not observed in approximately 6,000 samples from individuals of European and African American backgrounds, indicating it is not a common benign variant in these populations. Nevertheless, no mutations in nearby codons have been reported in association with ARVC indicating this region of the protein may be tolerant of change. With the clinical and molecular information available at this time, we cannot definitively determine if Ser766Thr is a disease-causing mutation or a rare benign variant. The variant is found in ARVC panel(s).